The following is an entry in ClinVar:

NM_015041.3(IFT38):c.855+5G>A

Gene: IFT38 (intraflagellar transport 38; plus strand). Cytogenetic location: 16p13.3.
Variant type: single nucleotide variant.
Coding change: c.855+5G>A on transcript NM_015041.3 (MANE Select); 5 bases into the intron after coding-DNA position 855, G replaced by A.
Molecular consequence: intron variant.
Genome position (GRCh38, 1-based): chr16:3,523,304, G>A. VCF-style: chr16-3523304-G-A. GRCh37 (hg19) VCF-style: chr16-3573304-G-A.
Other names: c.855+5G>A (NM_001330454.2); c.357+5G>A (NM_024793.3).
Identifiers: ClinVar variation 957232 (VCV000957232.7), dbSNP rs371974141, ClinGen allele CA7863856.

ClinVar aggregate classification (germline): Uncertain significance (1 of 4 stars; one submission).

Allele frequency attached by ClinVar (database versions not stated): TOPMed 0.00006; ESP Exome Variant Server 0.00008; gnomAD exomes 0.00008 and 0.00011; ExAC 0.00011.
gnomAD v4.1: 128 of 1,608,750 alleles (0.008%); highest among the groups gnomAD compares: Middle Eastern, 0.017%; no homozygotes.

Submissions (2):

Labcorp Genetics (formerly Invitae), Labcorp
Classification: Uncertain significance. Last evaluated: 2024-08-07. Review status: criteria provided, single submitter. Criteria: Invitae Variant Classification Sherloc (09022015). Collection method: clinical testing. Allele origin: germline.
Comment: This sequence change falls in intron 8 of the CLUAP1 gene. It does not directly change the encoded amino acid sequence of the CLUAP1 protein. It affects a nucleotide within the consensus splice site. This variant is present in population databases (rs371974141, gnomAD 0.02%). This variant has not been reported in the literature in individuals affected with CLUAP1-related conditions. ClinVar contains an entry for this variant (Variation ID: 957232). Variants that disrupt the consensus splice site are a relatively common cause of aberrant splicing (PMID: 17576681, 9536098). Algorithms developed to predict the effect of sequence changes on RNA splicing suggest that this variant may disrupt the consensus splice site. In summary, the available evidence is currently insufficient to determine the role of this variant in disease. Therefore, it has been classified as a Variant of Uncertain Significance.

Dr. Peter K. Rogan Lab, Western University
No classification provided (evidence only). Condition: Acute myeloid leukemia. Review status: no classification provided. Collection method: in vitro. Allele origin: not applicable. Functional consequence: retained intron. Not counted in ClinVar's aggregate classification.

Literature cited by the submitters: PubMed 17576681 (cited by Labcorp Genetics (formerly Invitae), Labcorp); PubMed 9536098 (cited by Labcorp Genetics (formerly Invitae), Labcorp).